The following is an entry in ClinVar:

ClinVar aggregate classification (germline): Uncertain significance. Review status: criteria provided, multiple submitters, no conflicts (2 of 4 stars). 2 submissions from 2 submitters: Uncertain significance (2). Last evaluated 2023-01-31.

Conditions:
Hereditary cancer-predisposing syndrome. Also called: Neoplastic Syndromes, Hereditary; Tumor predisposition; Hereditary neoplastic syndrome; Hereditary Cancer Syndrome. Identifiers: Orphanet 140162, MedGen C0027672, MeSH D009386, MONDO:0015356.

Allele frequency attached by ClinVar (database versions not stated): gnomAD exomes below 0.00001.
gnomAD v4.1: 6 of 1,604,584 alleles (0.00037%); highest among the groups gnomAD compares: Non-Finnish European, 0.00051%; no homozygotes.

Submissions (2):

Ambry Genetics
Classification: Uncertain significance for Hereditary cancer-predisposing syndrome. Last evaluated: 2023-01-31. Review status: criteria provided, single submitter. Criteria: Ambry Variant Classification Scheme 2023. Collection method: clinical testing. Allele origin: germline.
Comment: The c.1653G>C variant (also known as p.Q551H), located in coding exon 11 of the MSH3 gene, results from a G to C substitution at nucleotide position 1653. The amino acid change results in glutamine to histidine at codon 551, an amino acid with highly similar properties. However, this change occurs in the last base pair of coding exon 11, which makes it likely to have some effect on normal mRNA splicing. This nucleotide position is highly conserved in available vertebrate species. This amino acid position is highly conserved in available vertebrate species. In silico splice site analysis predicts that this alteration will weaken the native splice donor site; however, direct evidence is insufficient at this time (Ambry internal data). In addition, this missense alteration is predicted to be tolerated by in silico analysis. Since supporting evidence is limited at this time, the clinical significance of this alteration remains unclear.

Labcorp Genetics (formerly Invitae), Labcorp
Classification: Uncertain significance. Last evaluated: 2022-06-22. Review status: criteria provided, single submitter. Criteria: Invitae Variant Classification Sherloc (09022015). Collection method: clinical testing. Allele origin: germline.
Comment: This sequence change affects codon 551 of the MSH3 mRNA. It is a 'silent' change, meaning that it does not change the encoded amino acid sequence of the MSH3 protein. This variant also falls at the last nucleotide of exon 11, which is part of the consensus splice site for this exon. This variant is present in population databases (no rsID available, gnomAD 0.0009%). This variant has not been reported in the literature in individuals affected with MSH3-related conditions. Algorithms developed to predict the effect of missense changes on protein structure and function are either unavailable or do not agree on the potential impact of this missense change (SIFT: "Deleterious"; PolyPhen-2: "Probably Damaging"; Align-GVGD: "Class C0"). Variants that disrupt the consensus splice site are a relatively common cause of aberrant splicing (PMID: 17576681, 9536098). Algorithms developed to predict the effect of sequence changes on RNA splicing suggest that this variant may disrupt the consensus splice site. In summary, the available evidence is currently insufficient to determine the role of this variant in disease. Therefore, it has been classified as a Variant of Uncertain Significance.

Literature cited by the submitters: PubMed 17576681 (cited by Labcorp Genetics (formerly Invitae), Labcorp); PubMed 9536098 (cited by Labcorp Genetics (formerly Invitae), Labcorp).

NM_002439.5(MSH3):c.1653G>C (p.Gln551His)

Gene: MSH3 (mutS homolog 3; plus strand). Cytogenetic location: 5q14.1.
Variant type: single nucleotide variant.
Coding change: c.1653G>C on transcript NM_002439.5 (MANE Select); coding-DNA position 1653, G replaced by C.
Protein change: p.Gln551His; replaces glutamine 551 with histidine.
Molecular consequence: missense variant.
Genome position (GRCh38, 1-based): chr5:80,741,548, G>C. VCF-style: chr5-80741548-G-C. GRCh37 (hg19) VCF-style: chr5-80037367-G-C.
Other names: c.1653G>C (NM_002439.3); short protein forms Q551H.
Identifiers: ClinVar variation 1388788 (VCV001388788.4), dbSNP rs1334302617, ClinGen allele CA360274604.